The following is an entry in ClinVar:

NM_032444.4(SLX4):c.2020C>T (p.Leu674Phe)

Gene: SLX4 (SLX4 structure-specific endonuclease subunit; minus strand). Cytogenetic location: 16p13.3.
Variant type: single nucleotide variant.
Coding change: c.2020C>T on transcript NM_032444.4 (MANE Select); coding-DNA position 2020, C replaced by T.
Protein change: p.Leu674Phe; replaces leucine 674 with phenylalanine.
Molecular consequence: missense variant.
Genome position (GRCh38, 1-based): chr16:3,594,593, G>A on the plus strand (C>T on the coding strand, the complement: SLX4 is on the minus strand). VCF-style: chr16-3594593-G-A. GRCh37 (hg19) VCF-style: chr16-3644594-G-A.
Other names: c.2020C>T (LRG_503t1); short protein forms L674F.
Identifiers: ClinVar variation 657619 (VCV000657619.8), dbSNP rs777279668, ClinGen allele CA276961563.

ClinVar aggregate classification (germline): Uncertain significance (1 of 4 stars; one submission).

Conditions:
Fanconi anemia (FA). Also called: Fanconi's anemia. Identifiers: Orphanet 84, MedGen C0015625, MeSH D005199, MONDO:0019391.

Allele frequency attached by ClinVar (database versions not stated): gnomAD exomes 0.00001; TOPMed 0.00004.
gnomAD v4.1: 3 of 1,613,994 alleles (0.00019%); highest among the groups gnomAD compares: Non-Finnish European, 0.00025%; no homozygotes.

Submission:

Labcorp Genetics (formerly Invitae), Labcorp
Classification: Uncertain significance for Fanconi anemia. Last evaluated: 2018-09-08. Review status: criteria provided, single submitter. Criteria: Invitae Variant Classification Sherloc (09022015). Collection method: clinical testing. Allele origin: germline.
Comment: This sequence change replaces leucine with phenylalanine at codon 674 of the SLX4 protein (p.Leu674Phe). The leucine residue is moderately conserved and there is a small physicochemical difference between leucine and phenylalanine. This variant is not present in population databases (ExAC no frequency). This variant has not been reported in the literature in individuals with SLX4-related disease. Algorithms developed to predict the effect of missense changes on protein structure and function are either unavailable or do not agree on the potential impact of this missense change (SIFT: "Deleterious"; PolyPhen-2: "Probably Damaging"; Align-GVGD: "Class C0"). In summary, the available evidence is currently insufficient to determine the role of this variant in disease. Therefore, it has been classified as a Variant of Uncertain Significance.